The following is an entry in ClinVar:

ClinVar aggregate classification (germline): Uncertain significance (1 of 4 stars; one submission).

Submission:

Women's Health and Genetics/Laboratory Corporation of America, LabCorp
Classification: Uncertain significance. Last evaluated: 2025-10-13. Review status: criteria provided, single submitter. Criteria: LabCorp Variant Classification Summary - May 2015. Collection method: clinical testing. Allele origin: germline.
Comment: Variant summary: NOTCH3 c.4940T>C (p.Leu1647Pro) results in a non-conservative amino acid change in the encoded protein sequence. Algorithms developed to predict the effect of missense changes on protein structure and function all suggest that this variant is likely to be disruptive. The variant was absent in 242522 control chromosomes. The available data on variant occurrences in the general population are insufficient to allow any conclusion about variant significance. To our knowledge, no occurrence of c.4940T>C in individuals affected with NOTCH3-related conditions and no experimental evidence demonstrating its impact on protein function have been reported. No submitters have cited clinical-significance assessments for this variant to ClinVar. Based on the evidence outlined above, the variant was classified as uncertain significance.

NM_000435.3(NOTCH3):c.4940T>C (p.Leu1647Pro)

Gene: NOTCH3 (notch receptor 3; minus strand). Cytogenetic location: 19p13.12.
Variant type: single nucleotide variant.
Coding change: c.4940T>C on transcript NM_000435.3 (MANE Select); coding-DNA position 4940, T replaced by C.
Protein change: p.Leu1647Pro; replaces leucine 1647 with proline.
Molecular consequence: missense variant.
Genome position (GRCh38, 1-based): chr19:15,170,505, A>G on the plus strand (T>C on the coding strand, the complement: NOTCH3 is on the minus strand). VCF-style: chr19-15170505-A-G. GRCh37 (hg19) VCF-style: chr19-15281316-A-G.
Other names: short protein forms L1647P.
Identifiers: ClinVar variation 4687335 (VCV004687335.1).